The following is an entry in ClinVar:

ClinVar aggregate classification (germline): Uncertain significance (1 of 4 stars; one submission).

Submissions (2):

Labcorp Genetics (formerly Invitae), Labcorp
Classification: Uncertain significance. Last evaluated: 2024-10-29. Review status: criteria provided, single submitter. Criteria: Invitae Variant Classification Sherloc (09022015). Collection method: clinical testing. Allele origin: germline.
Comment: This sequence change replaces glutamine, which is neutral and polar, with proline, which is neutral and non-polar, at codon 322 of the COX10 protein (p.Gln322Pro). This variant is not present in population databases (gnomAD no frequency). This variant has not been reported in the literature in individuals affected with COX10-related conditions. ClinVar contains an entry for this variant (Variation ID: 1973811). Invitae Evidence Modeling of protein sequence and biophysical properties (such as structural, functional, and spatial information, amino acid conservation, physicochemical variation, residue mobility, and thermodynamic stability) indicates that this missense variant is expected to disrupt COX10 protein function with a positive predictive value of 80%. In summary, the available evidence is currently insufficient to determine the role of this variant in disease. Therefore, it has been classified as a Variant of Uncertain Significance.

Johnston Lab, North Central College
No classification provided (evidence only). Review status: no classification provided. Collection method: in vitro. Allele origin: not applicable. Functional consequence: loss_of_function_variant. Not counted in ClinVar's aggregate classification.
ClinVar note: "not provided" was previously submitted as the classification for the variant. However, the classification appeared to be based only on an observation of functional data so it was converted to no classification on 2025-07-30.

NM_001303.4(COX10):c.965A>C (p.Gln322Pro)

Gene: COX10 (cytochrome c oxidase assembly factor heme A:farnesyltransferase COX10; plus strand). Cytogenetic location: 17p12.
Variant type: single nucleotide variant.
Coding change: c.965A>C on transcript NM_001303.4 (MANE Select); coding-DNA position 965, A replaced by C.
Protein change: p.Gln322Pro; replaces glutamine 322 with proline.
Molecular consequence: missense variant.
Genome position (GRCh38, 1-based): chr17:14,206,846, A>C. VCF-style: chr17-14206846-A-C. GRCh37 (hg19) VCF-style: chr17-14110163-A-C.
Other names: short protein forms Q322P.
Identifiers: ClinVar variation 1973811 (VCV001973811.7), dbSNP rs2508550992, ClinGen allele CA398225741.